The following is an entry in ClinVar:

ClinVar aggregate classification (germline): Uncertain significance (1 of 4 stars; one submission).

Submission:

Ambry Genetics
Classification: Uncertain significance. Last evaluated: 2024-06-21. Review status: criteria provided, single submitter. Criteria: Ambry Variant Classification Scheme 2023. Collection method: clinical testing. Allele origin: germline.
Comment: The p.M1507I variant (also known as c.4521G>T), located in coding exon 16 of the POLQ gene, results from a G to T substitution at nucleotide position 4521. The methionine at codon 1507 is replaced by isoleucine, an amino acid with highly similar properties. This amino acid position is conserved. In addition, this alteration is predicted to be tolerated by in silico analysis. Based on the available evidence, the clinical significance of this variant remains unclear.

NM_199420.4(POLQ):c.4521G>T (p.Met1507Ile)

Gene: POLQ (DNA polymerase theta; minus strand). Cytogenetic location: 3q13.33.
Variant type: single nucleotide variant.
Coding change: c.4521G>T on transcript NM_199420.4 (MANE Select); coding-DNA position 4521, G replaced by T.
Protein change: p.Met1507Ile; replaces methionine 1507 with isoleucine.
Molecular consequence: missense variant.
Genome position (GRCh38, 1-based): chr3:121,488,410, C>A on the plus strand (G>T on the coding strand, the complement: POLQ is on the minus strand). VCF-style: chr3-121488410-C-A. GRCh37 (hg19) VCF-style: chr3-121207257-C-A.
Other names: short protein forms M1507I.
Identifiers: ClinVar variation 3308743 (VCV003308743.1).